The following is an entry in ClinVar:

ClinVar aggregate classification (germline): Likely pathogenic (1 of 4 stars; one submission).

Submission:

Quest Diagnostics Nichols Institute San Juan Capistrano
Classification: Likely pathogenic. Last evaluated: 2022-03-26. Review status: criteria provided, single submitter. Criteria: ACMG/ClinGen CNV Guidelines, 2019. Collection method: clinical testing. Allele origin: unknown.
Comment: The copy number gain of 9p24.3p24.1 involves numerous protein-coding genes, including SMARCA2 (OMIM 600014), JAK2 (OMIM 147796), and DOCK8 (OMIM 611432). Heterozygous missense variants of SMARCA2 are associated with autosomal dominant Nicolaides-Baraitser syndrome, which is characterized by severe intellectual disability, early-onset seizures, short stature, dysmorphic facial features, and sparse hair (OMIM 601358), and with autosomal dominant blepharophimosis-impaired intellectual development syndrome , which is a congenital disorder characterized by a distinct facial appearance with blepharophimosis and global development delay (OMIM 619293). There have been reports of heterozygous duplications of SMARCA2 in individuals with developmental and speech delay as well, though similar duplications were also seen in controls (Sahoo 2011). In addition, heterozygous missense variants of JAK2 are associated with autosomal dominant thrombocythemia-3 (THCYT3), which is a hematologic disorder characterized by increased platelet production resulting in increased numbers of circulating platelets. Thrombocythemia can be associated with thrombotic episodes, such as cerebrovascular events or myocardial infarction (OMIM 614521). Furthermore, heterozygous duplications of DOCK8, sometimes including the adjacent KANK1 gene, have also been reported in several individuals with various neurodevelopmental disorders, including developmental delay, autism, and schizophrenia (Girirajan 2013, Glessner 2017, Vanzo 2019). This gain is expected to cause phenotypic and/or developmentalabnormalities, however, the current medical literature lacks well-described patient reports with a comparable genomic abnormality. There are no similar copy number gains of this region in the general populations of the Database of Genomic Variants. Thus, the classification of this copy number variant (CNV) is likely pathogenic. References: Girirajan et al., Am J Hum Genet. 2013 Feb 7;92(2):221-37. PMID:23375656. Glessner et al., Genome Med. 2017 Nov 30;9(1):106. PMID: 29191242. Sahoo et al., Genet Med. 2011 Oct;13(10):868-80. PMID: 21792059. Vanzo et al., Eur J Med Genet. 2019 Jan;62(1):15-20. PMID: 29729439.

GRCh37/hg19 9p24.3-24.1(chr9:203862-5958840)x4

Genes: AK3 (adenylate kinase 3; minus strand), BRD10 (bromodomain containing 10; minus strand), CD274 (CD274 molecule; plus strand), CDC37L1 (cell division cycle 37 like 1, HSP90 cochaperone; plus strand), DMRT1 (doublesex and mab-3 related transcription factor 1; plus strand) and 26 more. Cytogenetic location: 9p24.3-24.1.
Variant type: copy number gain.
Change: copy number 4 of chr9:203,862-5,958,840 (5.75 Mb, GRCh37 coordinates, 1-based), cytogenetic band 9p24.3-24.1.
Identifiers: ClinVar variation 1807859 (VCV001807859.1).